The following is an entry in ClinVar:

NM_000038.6(APC):c.759C>G (p.Gly253=)

Gene: APC (APC regulator of Wnt signaling pathway; plus strand). Cytogenetic location: 5q22.2.
Variant type: single nucleotide variant.
Coding change: c.759C>G on transcript NM_000038.6 (MANE Select); coding-DNA position 759, C replaced by G.
Protein change: p.Gly253=; no amino-acid change (glycine 253 retained).
Molecular consequence: synonymous variant. On other transcripts: 5 prime UTR variant (1).
Genome position (GRCh38, 1-based): chr5:112,801,308, C>G. VCF-style: chr5-112801308-C-G. GRCh37 (hg19) VCF-style: chr5-112137005-C-G.
Other names: c.759C>G, p.Gly253= (NM_001127510.3, NM_001354895.2, NM_001354896.2 and 1 more transcripts); c.705C>G, p.Gly235= (NM_001127511.3); c.789C>G, p.Gly263= (NM_001354897.2, NM_001354902.2); c.684C>G, p.Gly228= (NM_001354898.2, NM_001354904.2); c.675C>G, p.Gly225= (NM_001354899.2); c.582C>G, p.Gly194= (NM_001354900.2, NM_001354901.2, NM_001354905.2); c.-277C>G (NM_001354906.2).
Identifiers: ClinVar variation 185590 (VCV000185590.27), dbSNP rs746850663, ClinGen allele CA013925.
Genomic context (GRCh38, chr5:112,801,308, plus strand): 5'-GCATGTACTGATGTTAACTCCATCTTAACAGAGGTCATCTCAGAACAAGCATGAAACCGG[C>G]TCACATGATGCTGAGCGGCAGAATGAAGGTCAAGGAGTGGGAGAAATCAACATGGCAACT-3'
Protein context (NP_000029.2, residues 243-263): ERSSQNKHET[Gly253=]SHDAERQNEG

ClinVar aggregate classification (germline): Conflicting classifications of pathogenicity. Review status: criteria provided, conflicting classifications (1 of 4 stars). 10 submissions from 10 submitters: Uncertain significance (2); Benign (1); Likely benign (6). 1 of the submissions does not count toward it. Last evaluated 2026-01-20.

Conditions:
APC-related disorder. Also called: APC-related condition.
Hereditary cancer-predisposing syndrome. Also called: Tumor predisposition; Neoplastic Syndromes, Hereditary; Hereditary neoplastic syndrome; Hereditary Cancer Syndrome. Identifiers: Orphanet 140162, MedGen C0027672, MeSH D009386, MONDO:0015356.
Familial adenomatous polyposis 1 (FAP1). Also called: FAMILIAL ADENOMATOUS POLYPOSIS 1, ATTENUATED; POLYPOSIS, ADENOMATOUS INTESTINAL. Identifiers: MedGen C2713442, MONDO:0021056, OMIM 175100. Disease mechanism: loss of function.

Allele frequency attached by ClinVar (database versions not stated): ExAC 0.00001; gnomAD 0.00001; TOPMed 0.00002.
gnomAD v4.1: 16 of 1,612,910 alleles (0.00099%); highest among the groups gnomAD compares: Admixed American, 0.0017%; no homozygotes.

Submissions (10):

Labcorp Genetics (formerly Invitae), Labcorp
Classification: Likely benign for Familial adenomatous polyposis 1. Last evaluated: 2026-01-20. Review status: criteria provided, single submitter. Criteria: Invitae Variant Classification Sherloc (09022015). Collection method: clinical testing. Allele origin: germline.

GeneDx
Classification: Uncertain significance. Last evaluated: 2025-05-13. Review status: criteria provided, single submitter. Criteria: GeneDx Variant Classification Process June 2021. Collection method: clinical testing. Allele origin: germline. Affected: yes.
Comment: Not observed at significant frequency in large population cohorts (gnomAD); In silico analysis supports that this variant does not alter splicing; Has not been previously published as pathogenic or benign to our knowledge

Quest Diagnostics Nichols Institute San Juan Capistrano
Classification: Uncertain significance. Last evaluated: 2024-06-12. Review status: criteria provided, single submitter. Criteria: Quest Diagnostics criteria. Collection method: clinical testing. Allele origin: unknown.
Comment: The APC c.759C>G (p.Gly253=) synonymous variant has not been reported in individuals with APC-related conditions in the published literature. The frequency of this variant in the general population, 0.000031 (4/128928 chromosomes (Genome Aggregation Database)), is uninformative in the assessment of its pathogenicity. Analysis of this variant using software algorithms for the prediction of the effect of nucleotide changes on splicing yielded predictions that this variant does not affect APC mRNA splicing. Based on the available information, we are unable to determine the clinical significance of this variant.

Myriad Genetics, Inc.
Classification: Benign for Familial adenomatous polyposis 1. Last evaluated: 2024-02-26. Review status: criteria provided, single submitter. Criteria: Myriad Autosomal Dominant, Autosomal Recessive and X-Linked Classification Criteria (2023). Collection method: clinical testing. Allele origin: unknown.
Comment: This variant is considered benign. This variant is a silent/synonymous amino acid change and it is not expected to impact splicing.

KCCC/NGS Laboratory, Kuwait Cancer Control Center
Classification: Likely benign for Familial adenomatous polyposis 1. Last evaluated: 2023-07-07. Review status: criteria provided, single submitter. Criteria: ACMG Guidelines, 2015. Collection method: clinical testing. Allele origin: germline. Affected: yes.

Sema4
Classification: Likely benign for Hereditary cancer-predisposing syndrome. Last evaluated: 2021-11-18. Review status: criteria provided, single submitter. Criteria: Sema4 Curation Guidelines. Collection method: curation. Allele origin: germline.

Blueprint Genetics
Classification: Likely benign. Last evaluated: 2020-03-30. Review status: criteria provided, single submitter. Criteria: ACMG Guidelines, 2015. Collection method: clinical testing. Allele origin: germline.

Color Diagnostics, LLC DBA Color Health
Classification: Likely benign for Hereditary cancer-predisposing syndrome. Last evaluated: 2017-08-21. Review status: criteria provided, single submitter. Criteria: ACMG Guidelines, 2015. Collection method: clinical testing. Allele origin: germline.

Ambry Genetics
Classification: Likely benign for Hereditary cancer-predisposing syndrome. Last evaluated: 2014-10-15. Review status: criteria provided, single submitter. Criteria: Ambry Variant Classification Scheme 2023. Collection method: clinical testing. Allele origin: germline.

PreventionGenetics, part of Exact Sciences
Classification: Likely benign for APC-related condition. Last evaluated: 2020-04-06. Review status: no assertion criteria provided. Collection method: clinical testing. Allele origin: germline. Not counted in ClinVar's aggregate classification.
Comment: This variant is classified as likely benign based on ACMG/AMP sequence variant interpretation guidelines (Richards et al. 2015 PMID: 25741868, with internal and published modifications).